The following is an entry in ClinVar:

NM_015057.5(MYCBP2):c.1885C>G (p.Pro629Ala)

Gene: MYCBP2 (MYC binding protein 2; minus strand). Cytogenetic location: 13q22.3.
Variant type: single nucleotide variant.
Coding change: c.1885C>G on transcript NM_015057.5 (MANE Select); coding-DNA position 1885, C replaced by G.
Protein change: p.Pro629Ala; replaces proline 629 with alanine.
Molecular consequence: missense variant.
Genome position (GRCh38, 1-based): chr13:77,260,560, G>C on the plus strand (C>G on the coding strand, the complement: MYCBP2 is on the minus strand). VCF-style: chr13-77260560-G-C. GRCh37 (hg19) VCF-style: chr13-77834695-G-C.
Other names: short protein forms P629A.
Identifiers: ClinVar variation 3371172 (VCV003371172.1).
Genomic context (GRCh38, chr13:77,260,560, plus strand): 5'-TTCCATTATTGCAGGCTGTATATACCACAATCTTTCCTTCCATCTTAATTATCTTTTTAG[G>C]TTTATAAGGTTTGGATTGCCGTCTGCTCTTAGCTTTAAAAAAGAAATTAGATTAAATCAA-3'
Protein context (NP_055872.4, residues 619-639): KSRRQSKPYK[Pro629Ala]KKIIKMEGKI

ClinVar aggregate classification (germline): Uncertain significance (1 of 4 stars; one submission).

Submission:

GeneDx
Classification: Uncertain significance. Last evaluated: 2024-03-21. Review status: criteria provided, single submitter. Criteria: GeneDx Variant Classification Process June 2021. Collection method: clinical testing. Allele origin: germline. Affected: yes.
Comment: Not observed at significant frequency in large population cohorts (gnomAD); In silico analysis supports that this missense variant has a deleterious effect on protein structure/function; Has not been previously published as pathogenic or benign to our knowledge